The following is an entry in ClinVar:

ClinVar aggregate classification (germline): Pathogenic (1 of 4 stars; one submission).

Submission:

Labcorp Genetics (formerly Invitae), Labcorp
Classification: Pathogenic. Last evaluated: 2023-06-14. Review status: criteria provided, single submitter. Criteria: Invitae Variant Classification Sherloc (09022015). Collection method: clinical testing. Allele origin: germline.
Comment: For these reasons, this variant has been classified as Pathogenic. This variant has not been reported in the literature in individuals affected with IL2RB-related conditions. This variant is present in population databases (rs758275711, gnomAD 0.0009%). This sequence change creates a premature translational stop signal (p.Leu198Hisfs*7) in the IL2RB gene. It is expected to result in an absent or disrupted protein product. Loss-of-function variants in IL2RB are known to be pathogenic (PMID: 31040185).

Literature cited by the submitters: PubMed 31040185.

NM_000878.5(IL2RB):c.591_592del (p.Leu198fs)

Gene: IL2RB (interleukin 2 receptor subunit beta; minus strand). Cytogenetic location: 22q12.3.
Variant type: Deletion.
Coding change: c.591_592del on transcript NM_000878.5 (MANE Select); coding-DNA positions 591 to 592, 2 bases deleted (GC; older notation c.591_592delGC).
Protein change: p.Leu198fs; shifts the reading frame from leucine 198.
Molecular consequence: frameshift variant.
Genome position (GRCh38, 1-based): chr22:37,136,339-37,136,340, GC deleted on the plus strand (GC on the coding strand, the reverse complement: IL2RB is on the minus strand); deleting any 2 consecutive bases within chr22:37,136,339-37,136,341 gives the same sequence; the c. name uses the placement nearest the transcript's 3' end. VCF-style (leftmost placement, unchanged base first): chr22-37136338-AGC-A. GRCh37 (hg19) VCF-style: chr22-37532378-AGC-A.
Other names: c.591_592del, p.Leu198fs (NM_001346222.1, NM_001346223.2); short protein forms L198fs.
Identifiers: ClinVar variation 2960036 (VCV002960036.3), dbSNP rs758275711, ClinGen allele CA10216574.